The following is an entry in ClinVar:

ClinVar aggregate classification (germline): Uncertain significance (1 of 4 stars; one submission).

Conditions:
Developmental and epileptic encephalopathy, 1 (DEE1). Also called: X-linked infantile spasms; West's syndrome; Tonic spasms with clustering, arrest of psychomotor development and hypsarrhythmia on EEG; X-Linked Infantile Spasm Syndrome; OHTAHARA SYNDROME, X-LINKED; INFANTILE SPASM SYNDROME, X-LINKED 1. Identifiers: MedGen C3463992, MONDO:0010632, OMIM 308350. Disease mechanism: loss of function.
Autosomal dominant nonsyndromic hearing loss 65. Also called: TBC1D24-Related Autosomal Dominant Nonsyndromic Hearing Loss (DFNA); Deafness, autosomal dominant 65. Identifiers: Orphanet 90635, MedGen C3892048, MONDO:0014470, OMIM 616044.

Allele frequency attached by ClinVar (database versions not stated): TOPMed below 0.00001; gnomAD exomes below 0.00001.
gnomAD v4.1: 2 of 1,613,682 alleles (0.00012%); highest among the groups gnomAD compares: African/African-American, 0.0027%; no homozygotes.

Submission:

Labcorp Genetics (formerly Invitae), Labcorp
Classification: Uncertain significance for Developmental and epileptic encephalopathy, 1; Autosomal dominant nonsyndromic hearing loss 65. Last evaluated: 2024-10-10. Review status: criteria provided, single submitter. Criteria: Invitae Variant Classification Sherloc (09022015). Collection method: clinical testing. Allele origin: germline.
Comment: This sequence change replaces valine, which is neutral and non-polar, with leucine, which is neutral and non-polar, at codon 54 of the TBC1D24 protein (p.Val54Leu). This variant is not present in population databases (gnomAD no frequency). This variant has not been reported in the literature in individuals affected with TBC1D24-related conditions. ClinVar contains an entry for this variant (Variation ID: 1718171). Invitae Evidence Modeling of protein sequence and biophysical properties (such as structural, functional, and spatial information, amino acid conservation, physicochemical variation, residue mobility, and thermodynamic stability) indicates that this missense variant is not expected to disrupt TBC1D24 protein function with a negative predictive value of 95%. In summary, the available evidence is currently insufficient to determine the role of this variant in disease. Therefore, it has been classified as a Variant of Uncertain Significance.

NM_001199107.2(TBC1D24):c.160G>T (p.Val54Leu)

Gene: TBC1D24 (TBC1 domain family member 24; plus strand). Cytogenetic location: 16p13.3.
Variant type: single nucleotide variant.
Coding change: c.160G>T on transcript NM_001199107.2 (MANE Select); coding-DNA position 160, G replaced by T.
Protein change: p.Val54Leu; replaces valine 54 with leucine.
Molecular consequence: missense variant.
Genome position (GRCh38, 1-based): chr16:2,496,308, G>T. VCF-style: chr16-2496308-G-T. GRCh37 (hg19) VCF-style: chr16-2546309-G-T.
Other names: c.160G>T, p.Val54Leu (NM_020705.3); short protein forms V54L.
Identifiers: ClinVar variation 1718171 (VCV001718171.6), dbSNP rs1250772981, ClinGen allele CA394374776.
Genomic context (GRCh38, chr16:2,496,308, plus strand): 5'-GAACTGAAGCAGCTGGCGCGCCAGGGCTACTGGGCCCAAAGCCACGCCCTGCGGGGAAAG[G>T]TGTACCAGCGCCTGATCCGGGACATTCCCTGCCGCACGGTCACGCCTGACGCCAGCGTGT-3'
Protein context (NP_001186036.1, residues 44-64): WAQSHALRGK[Val54Leu]YQRLIRDIPC